The following is an entry in ClinVar:

NM_001267550.2(TTN):c.28587A>C (p.Lys9529Asn)

Gene: TTN (titin; minus strand). Cytogenetic location: 2q31.2.
Variant type: single nucleotide variant.
Coding change: c.28587A>C on transcript NM_001267550.2 (MANE Select); coding-DNA position 28587, A replaced by C.
Protein change: p.Lys9529Asn; replaces lysine 9529 with asparagine.
Molecular consequence: missense variant. On other transcripts: intron variant (3).
Genome position (GRCh38, 1-based): chr2:178,709,732, T>G on the plus strand (A>C on the coding strand, the complement: TTN is on the minus strand). VCF-style: chr2-178709732-T-G. GRCh37 (hg19) VCF-style: chr2-179574459-T-G.
Other names: c.24855A>C, p.Lys8285Asn (NM_133378.4); c.27636A>C, p.Lys9212Asn (NM_001256850.1); c.13282+28350A>C (NM_003319.4); c.13858+28350A>C (NM_133437.4); c.13657+28350A>C (NM_133432.3); short protein forms K8285N, K9529N, K9212N.
Identifiers: ClinVar variation 229408 (VCV000229408.5), dbSNP rs876658049, ClinGen allele CA10576546.

ClinVar aggregate classification (germline): Uncertain significance (1 of 4 stars; one submission).

Allele frequency attached by ClinVar (database versions not stated): gnomAD exomes below 0.00001.
gnomAD v4.1: 2 of 1,613,908 alleles (0.00012%); highest among the groups gnomAD compares: Non-Finnish European, 0.00017%; no homozygotes.

Submission:

Laboratory for Molecular Medicine, Mass General Brigham Personalized Medicine
Classification: Uncertain significance. Last evaluated: 2015-06-08. Review status: criteria provided, single submitter. Criteria: LMM Criteria. Collection method: clinical testing. Allele origin: germline. Observed: 1 variant allele.
Comment: The p.Lys8285Asn variant in TTN has not been previously reported in individuals with cardiomyopathy or in large population studies. Computational prediction too ls and conservation analysis do not provide strong support for or against an imp act to the protein. In summary, the clinical significance of the p.Lys8285Asn va riant is uncertain.